The following is an entry in ClinVar:

NM_020778.5(ALPK3):c.1936C>T (p.Gln646Ter)

Gene: ALPK3 (alpha kinase 3; plus strand). Cytogenetic location: 15q25.3.
Variant type: single nucleotide variant.
Coding change: c.1936C>T on transcript NM_020778.5 (MANE Select); coding-DNA position 1936, C replaced by T.
Protein change: p.Gln646Ter; replaces glutamine 646 with a stop codon.
Molecular consequence: nonsense.
Genome position (GRCh38, 1-based): chr15:84,856,674, C>T. VCF-style: chr15-84856674-C-T. GRCh37 (hg19) VCF-style: chr15-85399905-C-T.
Other names: short protein forms Q646*.
Identifiers: ClinVar variation 2449123 (VCV002449123.3), dbSNP rs1284611172, ClinGen allele CA393355307.

ClinVar aggregate classification (germline): Pathogenic (1 of 4 stars; one submission).

Conditions:
Cardiovascular phenotype. Identifiers: MedGen CN230736.

Allele frequency attached by ClinVar (database versions not stated): gnomAD exomes below 0.00001.
gnomAD v4.1: 2 of 1,613,862 alleles (0.00012%); highest among the groups gnomAD compares: Non-Finnish European, 0.00017%; no homozygotes.

Submission:

Ambry Genetics
Classification: Pathogenic for Cardiovascular phenotype. Last evaluated: 2023-03-18. Review status: criteria provided, single submitter. Criteria: Ambry Variant Classification Scheme 2023. Collection method: clinical testing. Allele origin: germline.
Comment: The p.Q848* pathogenic mutation (also known as c.2542C>T), located in coding exon 6 of the ALPK3 gene, results from a C to T substitution at nucleotide position 2542. This changes the amino acid from a glutamine to a stop codon within coding exon 6. This variant is considered to be rare based on population cohorts in the Genome Aggregation Database (gnomAD). This alteration is expected to result in loss of function by premature protein truncation or nonsense-mediated mRNA decay. As such, this alteration is interpreted as a disease-causing mutation.